The following is an entry in ClinVar:

ClinVar aggregate classification (germline): Uncertain significance (1 of 4 stars; one submission).

gnomAD v4.1: 3 of 1,613,416 alleles (0.00019%); highest among the groups gnomAD compares: Admixed American, 0.005%; no homozygotes.

Submission:

Mayo Clinic Laboratories, Mayo Clinic
Classification: Uncertain significance. Last evaluated: 2024-06-21. Review status: criteria provided, single submitter. Criteria: ACMG Guidelines, 2015. Collection method: clinical testing. Allele origin: germline. Observed: 1 variant allele.
Comment: PP3, PM2

NM_032578.4(MYPN):c.3494-7T>G

Gene: MYPN (myopalladin; plus strand). Cytogenetic location: 10q21.3.
Variant type: single nucleotide variant.
Coding change: c.3494-7T>G on transcript NM_032578.4 (MANE Select); 7 bases into the intron before coding-DNA position 3494, T replaced by G.
Molecular consequence: intron variant.
Genome position (GRCh38, 1-based): chr10:68,201,822, T>G. VCF-style: chr10-68201822-T-G. GRCh37 (hg19) VCF-style: chr10-69961579-T-G.
Other names: p.?; c.3494-7T>G (NM_001256267.2); c.2612-7T>G (NM_001256268.2).
Identifiers: ClinVar variation 3379963 (VCV003379963.1).
Genomic context (GRCh38, chr10:68,201,822, plus strand): 5'-CAGAGCAAGACTCTGTCTCAAAAAAAAAAAAAAGAAAGAAAAAAAGAATGACCCTTCTCT[T>G]GCTCAGCCAAAGAGGTGAAGAAAGCACCTGTGATCCTGGAGAAACTACAGAACTGCGGTG-3'